The following is an entry in ClinVar:

ClinVar aggregate classification (germline): Uncertain significance (1 of 4 stars; one submission).

Allele frequency attached by ClinVar (database versions not stated): gnomAD exomes below 0.00001; TOPMed below 0.00001.
gnomAD v4.1: 2 of 1,613,374 alleles (0.00012%); highest among the groups gnomAD compares: African/African-American, 0.0013%; no homozygotes.

Submission:

Labcorp Genetics (formerly Invitae), Labcorp
Classification: Uncertain significance. Last evaluated: 2023-03-07. Review status: criteria provided, single submitter. Criteria: Invitae Variant Classification Sherloc (09022015). Collection method: clinical testing. Allele origin: germline.
Comment: This sequence change replaces alanine, which is neutral and non-polar, with valine, which is neutral and non-polar, at codon 66 of the SLC12A6 protein (p.Ala66Val). This variant is present in population databases (no rsID available, gnomAD 0.007%). This variant has not been reported in the literature in individuals affected with SLC12A6-related conditions. Advanced modeling of protein sequence and biophysical properties (such as structural, functional, and spatial information, amino acid conservation, physicochemical variation, residue mobility, and thermodynamic stability) performed at Invitae indicates that this missense variant is not expected to disrupt SLC12A6 protein function. In summary, the available evidence is currently insufficient to determine the role of this variant in disease. Therefore, it has been classified as a Variant of Uncertain Significance.

NM_001365088.1(SLC12A6):c.197C>T (p.Ala66Val)

Gene: SLC12A6 (solute carrier family 12 member 6; minus strand). Cytogenetic location: 15q14.
Variant type: single nucleotide variant.
Coding change: c.197C>T on transcript NM_001365088.1 (MANE Select); coding-DNA position 197, C replaced by T.
Protein change: p.Ala66Val; replaces alanine 66 with valine.
Molecular consequence: missense variant.
Genome position (GRCh38, 1-based): chr15:34,336,484, G>A on the plus strand (C>T on the coding strand, the complement: SLC12A6 is on the minus strand). VCF-style: chr15-34336484-G-A. GRCh37 (hg19) VCF-style: chr15-34628685-G-A.
Other names: c.20C>T, p.Ala7Val (NM_001042494.2, NM_001042495.2); c.170C>T, p.Ala57Val (NM_001042496.2); c.197C>T, p.Ala66Val (NM_001042497.2, NM_133647.2); short protein forms A66V, A7V, A57V.
Identifiers: ClinVar variation 2872500 (VCV002872500.3), dbSNP rs1255379283, ClinGen allele CA391621489.